The following is an entry in ClinVar:

ClinVar aggregate classification (germline): Benign. Review status: criteria provided, multiple submitters, no conflicts (2 of 4 stars). 3 submissions from 3 submitters: Benign (2). 1 of the submissions does not count toward it. Last evaluated 2019-12-31.

Conditions:
GPRASP2-related disorder. Also called: GPRASP2-related condition.

Allele frequency attached by ClinVar (database versions not stated): ExAC 0.00437; gnomAD 0.01098 and 0.01167; TOPMed 0.01210; 1000 Genomes Project 0.01325; ESP Exome Variant Server 0.01401; gnomAD exomes 0.00342 and 0.00112; 1000 Genomes Project 30x 0.01415.
gnomAD v4.1: 2,510 of 1,210,368 alleles (0.21%); highest among the groups gnomAD compares: African/African-American, 4%; 43 homozygotes.

Submissions (3):

Labcorp Genetics (formerly Invitae), Labcorp
Classification: Benign. Last evaluated: 2019-12-31. Review status: criteria provided, single submitter. Criteria: Invitae Variant Classification Sherloc (09022015). Collection method: clinical testing. Allele origin: germline.

Breakthrough Genomics
Classification: Benign. Review status: criteria provided, single submitter. Criteria: ACMG Guidelines, 2015. Collection method: not provided. Allele origin: germline. Inheritance: X-linked inheritance. Affected: yes.

PreventionGenetics, part of Exact Sciences
Classification: Benign for GPRASP2-related condition. Last evaluated: 2019-08-28. Review status: no assertion criteria provided. Collection method: clinical testing. Allele origin: germline. Not counted in ClinVar's aggregate classification.
Comment: This variant is classified as benign based on ACMG/AMP sequence variant interpretation guidelines (Richards et al. 2015 PMID: 25741868, with internal and published modifications).

NM_001004051.4(GPRASP2):c.865A>G (p.Ser289Gly)

Genes: ARMCX5-GPRASP2 (ARMCX5-GPRASP2 readthrough; plus strand), GPRASP2 (G protein-coupled receptor associated sorting protein 2; plus strand). Cytogenetic location: Xq22.1.
Variant type: single nucleotide variant.
Coding change: c.865A>G on transcript NM_001004051.4 (MANE Select); coding-DNA position 865, A replaced by G.
Protein change: p.Ser289Gly; replaces serine 289 with glycine.
Molecular consequence: missense variant. On other transcripts: intron variant (3).
Genome position (GRCh38, 1-based): chrX:102,715,734, A>G. VCF-style: chrX-102715734-A-G. GRCh37 (hg19) VCF-style: chrX-101970662-A-G.
Other names: c.865A>G, p.Ser289Gly (NM_001199818.1, NM_001184874.3, NM_001184875.3 and 2 more transcripts); c.-820+1468A>G (NM_001350268.2); c.-752+1468A>G (NM_001350269.2); c.-721+1468A>G (NM_001350270.1); short protein forms S289G.
Identifiers: ClinVar variation 781553 (VCV000781553.7), dbSNP rs113336462, ClinGen allele CA10476512.